The following is an entry in ClinVar:

NM_000388.4(CASR):c.1609G>C (p.Val537Leu)

Gene: CASR (calcium sensing receptor; plus strand). Cytogenetic location: 3q21.1.
Variant type: single nucleotide variant.
Coding change: c.1609G>C on transcript NM_000388.4 (MANE Select); coding-DNA position 1609, G replaced by C.
Protein change: p.Val537Leu; replaces valine 537 with leucine.
Molecular consequence: missense variant.
Genome position (GRCh38, 1-based): chr3:122,282,113, G>C. VCF-style: chr3-122282113-G-C. GRCh37 (hg19) VCF-style: chr3-122000960-G-C.
Other names: c.1639G>C, p.Val547Leu (NM_001178065.2); short protein forms V537L, V547L.
Identifiers: ClinVar variation 2931079 (VCV002931079.3), dbSNP rs1250951106, ClinGen allele CA354156110.
Genomic context (GRCh38, chr3:122,282,113, plus strand): 5'-TAGGGCTGGCCCCTGACCCTACAACTACAGCCACTCACCTTTGTGCTGTCTGTCCTCCAG[G>C]TGCCCTTCTCCAACTGCAGCCGAGACTGCCTGGCAGGGACCAGGAAAGGGATCATTGAGG-3'
Protein context (NP_000379.3, residues 527-547): KILWSGFSRE[Val537Leu]PFSNCSRDCL

ClinVar aggregate classification (germline): Uncertain significance (1 of 4 stars; one submission).

Conditions:
Familial hypocalciuric hypercalcemia (FHH). Also called: Familial benign hypercalcemia. Identifiers: Orphanet 405, MedGen C1809471, MONDO:0018458.
Autosomal dominant hypocalcemia 1 (HYPOC1). Also called: HYPOCALCEMIA, FAMILIAL. Identifiers: MedGen C3715128, MONDO:0011013, OMIM 601198.

Submission:

Labcorp Genetics (formerly Invitae), Labcorp
Classification: Uncertain significance for Familial hypocalciuric hypercalcemia; Autosomal dominant hypocalcemia 1. Last evaluated: 2025-03-14. Review status: criteria provided, single submitter. Criteria: Invitae Variant Classification Sherloc (09022015). Collection method: clinical testing. Allele origin: germline.
Comment: This sequence change replaces valine, which is neutral and non-polar, with leucine, which is neutral and non-polar, at codon 537 of the CASR protein (p.Val537Leu). This variant is not present in population databases (gnomAD no frequency). This variant has not been reported in the literature in individuals affected with CASR-related conditions. ClinVar contains an entry for this variant (Variation ID: 2931079). An algorithm developed to predict the effect of missense changes on protein structure and function (PolyPhen-2) suggests that this variant is likely to be tolerated. In summary, the available evidence is currently insufficient to determine the role of this variant in disease. Therefore, it has been classified as a Variant of Uncertain Significance.